The following is an entry in ClinVar:

ClinVar aggregate classification (germline): Conflicting classifications of pathogenicity. Review status: criteria provided, conflicting classifications (1 of 4 stars). 2 submissions from 2 submitters: Likely pathogenic (1); Uncertain significance (1). Last evaluated 2025-11-25.

Conditions:
Hemochromatosis type 2A (HFE2A). Also called: HJV (HFE2)-Related Juvenile Hemochromatosis; Adult-Onset Hemochromatosis. Identifiers: Orphanet 79230, MedGen C1865614, MONDO:0011216, OMIM 602390.

Submissions (2):

Natera, Inc.
Classification: Likely pathogenic for Hemochromatosis type 2A. Last evaluated: 2025-11-25. Review status: criteria provided, single submitter. Criteria: Natera Variant Classification Schema (03/2026). Collection method: clinical testing. Allele origin: germline.
Comment: The c.257A>G variant in HJV is a missense variant predicted to cause substitution of tyrosine to cysteine at amino acid 86. This variant is rare in the general population with a frequency below the threshold expected for the associated phenotype(s). This variant has been observed in one or more individuals affected with the associated recessive disease, as either homozygous or compound heterozygous with a second variant (PMID: 37990447). Additionally, this variant has been observed to segregate in affected family members (PMID: 37990447). Computational prediction algorithms indicate this variant is likely to affect gene or protein function. Given the available evidence, this variant is classified as Likely Pathogenic.

Labcorp Genetics (formerly Invitae), Labcorp
Classification: Uncertain significance. Last evaluated: 2023-03-18. Review status: criteria provided, single submitter. Criteria: Invitae Variant Classification Sherloc (09022015). Collection method: clinical testing. Allele origin: germline.
Comment: This sequence change replaces tyrosine, which is neutral and polar, with cysteine, which is neutral and slightly polar, at codon 86 of the HJV protein (p.Tyr86Cys). In summary, the available evidence is currently insufficient to determine the role of this variant in disease. Therefore, it has been classified as a Variant of Uncertain Significance. An algorithm developed to predict the effect of missense changes on protein structure and function (PolyPhen-2) suggests that this variant is likely to be disruptive. ClinVar contains an entry for this variant (Variation ID: 1507976). This variant has not been reported in the literature in individuals affected with HJV-related conditions. This variant is not present in population databases (gnomAD no frequency).

Literature cited by the submitters: PubMed 37990447 (cited by Natera, Inc.).

NM_213653.4(HJV):c.257A>G (p.Tyr86Cys)

Gene: HJV (hemojuvelin BMP co-receptor; minus strand). Cytogenetic location: 1q21.1.
Variant type: single nucleotide variant.
Coding change: c.257A>G on transcript NM_213653.4 (MANE Select); coding-DNA position 257, A replaced by G.
Protein change: p.Tyr86Cys; replaces tyrosine 86 with cysteine.
Molecular consequence: missense variant. On other transcripts: 5 prime UTR variant (1), intron variant (3).
Genome position (GRCh38, 1-based): chr1:146,019,575, T>C on the plus strand (A>G on the coding strand, the complement: HJV is on the minus strand). VCF-style: chr1-146019575-T-C. GRCh37 (hg19) VCF-style: chr1-145415438-A-G.
Other names: c.257A>G, p.Tyr86Cys (NM_001379352.1); c.-83A>G (NM_145277.5); c.-21-875A>G (NM_213652.4); c.-22+123A>G (NM_202004.4, NM_001316767.2); c.257A>G (NM_213653.3); short protein forms Y86C.
Identifiers: ClinVar variation 1507976 (VCV001507976.9), dbSNP rs2101985172, ClinGen allele CA342142973.